The following is an entry in ClinVar:

ClinVar aggregate classification (germline): Uncertain significance. Review status: criteria provided, multiple submitters, no conflicts (2 of 4 stars). 2 submissions from 2 submitters: Uncertain significance (2). Last evaluated 2025-10-09.

Conditions:
Immunodeficiency. Identifiers: MedGen C0021051, MONDO:0021094, HP:0002721.

Allele frequency attached by ClinVar (database versions not stated): ESP Exome Variant Server 0.00008; gnomAD exomes below 0.00001; ExAC 0.00001; gnomAD 0.00002; TOPMed 0.00003.
gnomAD v4.1: 4 of 1,614,056 alleles (0.00025%); highest among the groups gnomAD compares: African/African-American, 0.0053%; no homozygotes.

Submissions (2):

Labcorp Genetics (formerly Invitae), Labcorp
Classification: Uncertain significance for Immunodeficiency. Last evaluated: 2025-10-09. Review status: criteria provided, single submitter. Criteria: Invitae Variant Classification Sherloc (09022015). Collection method: clinical testing. Allele origin: germline.
Comment: This sequence change replaces glutamine, which is neutral and polar, with glutamic acid, which is acidic and polar, at codon 942 of the NFAT5 protein (p.Gln942Glu). This variant is present in population databases (rs370973558, gnomAD 0.008%). This variant has not been reported in the literature in individuals affected with NFAT5-related conditions. ClinVar contains an entry for this variant (Variation ID: 2494875). An algorithm developed to predict the effect of missense changes on protein structure and function (PolyPhen-2) suggests that this variant is likely to be tolerated. In summary, the available evidence is currently insufficient to determine the role of this variant in disease. Therefore, it has been classified as a Variant of Uncertain Significance.

Ambry Genetics
Classification: Uncertain significance. Last evaluated: 2023-03-07. Review status: criteria provided, single submitter. Criteria: Ambry Variant Classification Scheme 2023. Collection method: clinical testing. Allele origin: germline.

NM_138713.4(NFAT5):c.3106C>G (p.Gln1036Glu)

Gene: NFAT5 (nuclear factor of activated T cells 5; plus strand). Cytogenetic location: 16q22.1.
Variant type: single nucleotide variant.
Coding change: c.3106C>G on transcript NM_138713.4 (MANE Select); coding-DNA position 3106, C replaced by G.
Protein change: p.Gln1036Glu; replaces glutamine 1036 with glutamic acid.
Molecular consequence: missense variant.
Genome position (GRCh38, 1-based): chr16:69,692,931, C>G. VCF-style: chr16-69692931-C-G. GRCh37 (hg19) VCF-style: chr16-69726834-C-G.
Other names: c.3103C>G, p.Gln1035Glu (NM_001113178.3); c.2431C>G, p.Gln811Glu (NM_001367709.1); c.3052C>G, p.Gln1018Glu (NM_006599.4); c.2824C>G, p.Gln942Glu (NM_138714.4, NM_173214.3, NM_173215.3); short protein forms Q1018E, Q811E, Q942E, Q1036E, Q1035E.
Identifiers: ClinVar variation 2494875 (VCV002494875.5), dbSNP rs370973558, ClinGen allele CA8135848.